The following is an entry in ClinVar:

ClinVar aggregate classification (germline): Uncertain significance (1 of 4 stars; one submission).

Conditions:
Autosomal recessive limb-girdle muscular dystrophy type 2J (LGMDR10). Also called: Limb-girdle muscular dystrophy, type 2J; MUSCULAR DYSTROPHY, LIMB-GIRDLE, AUTOSOMAL RECESSIVE 10. Identifiers: Orphanet 140922, MedGen C1837342, MONDO:0012127, OMIM 608807.
Dilated cardiomyopathy 1G (CMD1G). Identifiers: Orphanet 154, MedGen C1858763, MONDO:0011400, OMIM 604145.

Submission:

Labcorp Genetics (formerly Invitae), Labcorp
Classification: Uncertain significance for Dilated cardiomyopathy 1G; Autosomal recessive limb-girdle muscular dystrophy type 2J. Last evaluated: 2022-08-06. Review status: criteria provided, single submitter. Criteria: Invitae Variant Classification Sherloc (09022015). Collection method: clinical testing. Allele origin: germline.
Comment: Experimental studies and prediction algorithms are not available or were not evaluated, and the functional significance of this variant is currently unknown. This variant has not been reported in the literature in individuals affected with TTN-related conditions. This variant is not present in population databases (gnomAD no frequency). This sequence change replaces threonine, which is neutral and polar, with isoleucine, which is neutral and non-polar, at codon 35089 of the TTN protein (p.Thr35089Ile). In summary, the available evidence is currently insufficient to determine the role of this variant in disease. Therefore, it has been classified as a Variant of Uncertain Significance. This variant is located in the M band of TTN (PMID: 25589632). Variants in this region may be relevant for neuromuscular disorders, but have not been definitively shown to cause cardiomyopathy (PMID: 23975875).

Literature cited by the submitters: PubMed 25589632; PubMed 23975875.

NM_001267550.2(TTN):c.105266C>T (p.Thr35089Ile)

Genes: TTN (titin; minus strand), TTN-AS1 (TTN antisense RNA 1; plus strand). Cytogenetic location: 2q31.2.
Variant type: single nucleotide variant.
Coding change: c.105266C>T on transcript NM_001267550.2 (MANE Select); coding-DNA position 105266, C replaced by T.
Protein change: p.Thr35089Ile; replaces threonine 35089 with isoleucine.
Molecular consequence: missense variant.
Genome position (GRCh38, 1-based): chr2:178,531,349, G>A on the plus strand (C>T on the coding strand, the complement: TTN is on the minus strand). VCF-style: chr2-178531349-G-A. GRCh37 (hg19) VCF-style: chr2-179396076-G-A.
Other names: c.100343C>T, p.Thr33448Ile (NM_001256850.1); c.78071C>T, p.Thr26024Ile (NM_003319.4); c.97562C>T, p.Thr32521Ile (NM_133378.4); c.78446C>T, p.Thr26149Ile (NM_133432.3); c.78647C>T, p.Thr26216Ile (NM_133437.4); short protein forms T26149I, T26216I, T33448I, T32521I, T35089I, T26024I.
Identifiers: ClinVar variation 2022110 (VCV002022110.4), dbSNP rs2468406348, ClinGen allele CA349409135.